The following is an entry in ClinVar:

ClinVar aggregate classification (germline): Likely pathogenic (1 of 4 stars; one submission).

Conditions:
Marfan syndrome (MFS). Also called: Marfan syndrome, classic; Marfan syndrome type 1; Marfan's syndrome; MARFAN SYNDROME, TYPE I; FBN1-Related Marfan Syndrome. Identifiers: Orphanet 284963, Orphanet 558, MedGen C0024796, MONDO:0007947, OMIM 154700.
Familial thoracic aortic aneurysm and aortic dissection (TAAD). Also called: Thoracic aortic aneurysms and dissections. Identifiers: Orphanet 91387, MedGen C4707243, MONDO:0019625.

Submission:

Labcorp Genetics (formerly Invitae), Labcorp
Classification: Likely pathogenic for Marfan syndrome; Familial thoracic aortic aneurysm and aortic dissection. Last evaluated: 2018-05-07. Review status: criteria provided, single submitter. Criteria: Invitae Variant Classification Sherloc (09022015). Collection method: clinical testing. Allele origin: germline.
Comment: This variant is not present in population databases (ExAC no frequency) and has not been reported in the literature in individuals with a FBN1-related disease. ClinVar contains an entry for this variant (Variation ID: 406284). This sequence change deletes 1 nucleotide from exon 66 of the FBN1 mRNA (c.8561delT), causing a frameshift at codon 2854. This creates a premature translational stop signal in the last exon of the FBN1 mRNA (p.Leu2854Profs*9). While this is not anticipated to result in nonsense mediated decay, it is expected to disrupt the last 17 amino acids of the FBN1 protein. Several different truncating variants downstream from this event (c.8556delC, p.Tyr2853Thrfs*10; c.8571dupA, p.Leu2858Thrfs*3; c.8599C>T, p.Gln2867*) have been observed in unrelated individuals with Marfan syndrome (PMID: 25101912, 26410935, 19293843). This suggests that the residues downstream are critical for FBN1 protein function and that other truncating variants that do not result in nonsense mediated decay may also be pathogenic. For these reasons, this variant has been classified as Likely Pathogenic.

Literature cited by the submitters: PubMed 25101912; PubMed 26410935; PubMed 19293843.

NM_000138.5(FBN1):c.8561del (p.Leu2854fs)

Gene: FBN1 (fibrillin 1; minus strand). Cytogenetic location: 15q21.1.
Variant type: Deletion.
Coding change: c.8561del on transcript NM_000138.5 (MANE Select); coding-DNA position 8561, one base deleted (T; older notation c.8561delT).
Protein change: p.Leu2854fs; shifts the reading frame from leucine 2854.
Molecular consequence: frameshift variant.
Genome position (GRCh38, 1-based): chr15:48,411,045, A deleted on the plus strand (T on the coding strand, the reverse complement: FBN1 is on the minus strand). VCF-style (leftmost placement, unchanged base first): chr15-48411044-GA-G. GRCh37 (hg19) VCF-style: chr15-48703241-GA-G.
Other names: c.8561delT (NM_000138.4); short protein forms L2854fs.
Identifiers: ClinVar variation 406284 (VCV000406284.8), dbSNP rs1060501033, ClinGen allele CA16614472.
Genomic context (GRCh38, chr15:48,411,044, plus strand): 5'-GGTGAATTAATGAAGCAAAACCTGGATTTTCATCTTCAGATTATCACCCAGTTCACCACT[GA>G]GGTAGTCTTTGTCATATTTGTCTTCTAGTTGGTTAAGTTCTTTCTTTTTATAAAGTGGAG-3'